The following is an entry in ClinVar:

ClinVar aggregate classification (germline): Uncertain significance. Review status: criteria provided, multiple submitters, no conflicts (2 of 4 stars). 2 submissions from 2 submitters: Uncertain significance (2). Last evaluated 2025-12-29.

Conditions:
Cardiovascular phenotype. Identifiers: MedGen CN230736.
Hereditary cancer-predisposing syndrome. Also called: Hereditary Cancer Syndrome; Hereditary neoplastic syndrome; Neoplastic Syndromes, Hereditary; Tumor predisposition. Identifiers: Orphanet 140162, MedGen C0027672, MeSH D009386, MONDO:0015356.

gnomAD v4.1: 7 of 1,600,984 alleles (0.00044%); highest among the groups gnomAD compares: East Asian, 0.011%; no homozygotes.

Submissions (2):

Labcorp Genetics (formerly Invitae), Labcorp
Classification: Uncertain significance. Last evaluated: 2025-12-29. Review status: criteria provided, single submitter. Criteria: Invitae Variant Classification Sherloc (09022015). Collection method: clinical testing. Allele origin: germline.
Comment: This sequence change replaces valine, which is neutral and non-polar, with leucine, which is neutral and non-polar, at codon 523 of the LZTR1 protein (p.Val523Leu). This variant is present in population databases (no rsID available, gnomAD 0.02%). This variant has not been reported in the literature in individuals affected with LZTR1-related conditions. ClinVar contains an entry for this variant (Variation ID: 1775404). Invitae Evidence Modeling of protein sequence and biophysical properties (such as structural, functional, and spatial information, amino acid conservation, physicochemical variation, residue mobility, and thermodynamic stability) indicates that this missense variant is not expected to disrupt LZTR1 protein function with a negative predictive value of 80%. In summary, the available evidence is currently insufficient to determine the role of this variant in disease. Therefore, it has been classified as a Variant of Uncertain Significance.

Ambry Genetics
Classification: Uncertain significance for Cardiovascular phenotype; Hereditary cancer-predisposing syndrome. Last evaluated: 2025-04-28. Review status: criteria provided, single submitter. Criteria: Ambry Variant Classification Scheme 2023. Collection method: clinical testing. Allele origin: germline.
Comment: The p.V523L variant (also known as c.1567G>T), located in coding exon 14 of the LZTR1 gene, results from a G to T substitution at nucleotide position 1567. The valine at codon 523 is replaced by leucine, an amino acid with highly similar properties. This amino acid position is well conserved in available vertebrate species. In addition, this alteration is predicted to be tolerated by in silico analysis. Since supporting evidence is limited at this time, the clinical significance of this alteration remains unclear.

NM_006767.4(LZTR1):c.1567G>T (p.Val523Leu)

Gene: LZTR1 (leucine zipper like post translational regulator 1; plus strand). Cytogenetic location: 22q11.21.
Variant type: single nucleotide variant.
Coding change: c.1567G>T on transcript NM_006767.4 (MANE Select); coding-DNA position 1567, G replaced by T.
Protein change: p.Val523Leu; replaces valine 523 with leucine.
Molecular consequence: missense variant.
Genome position (GRCh38, 1-based): chr22:20,994,221, G>T. VCF-style: chr22-20994221-G-T. GRCh37 (hg19) VCF-style: chr22-21348510-G-T.
Other names: short protein forms V523L.
Identifiers: ClinVar variation 1775404 (VCV001775404.7), dbSNP rs762957611, ClinGen allele CA410776021.